The following is an entry in ClinVar:

NM_006079.5(CITED2):c.501C>T (p.Pro167=)

Genes: CITED2 (Cbp/p300 interacting transactivator with ED-rich tail 2; minus strand), LOC129997307 (ATAC-STARR-seq lymphoblastoid silent region 17609; plus strand). Cytogenetic location: 6q24.1.
Variant type: single nucleotide variant.
Coding change: c.501C>T on transcript NM_006079.5 (MANE Select); coding-DNA position 501, C replaced by T.
Protein change: p.Pro167=; no amino-acid change (proline 167 retained).
Molecular consequence: synonymous variant.
Genome position (GRCh38, 1-based): chr6:139,373,444, G>A on the plus strand (C>T on the coding strand, the complement: CITED2 is on the minus strand). VCF-style: chr6-139373444-G-A. GRCh37 (hg19) VCF-style: chr6-139694581-G-A.
Other names: c.501C>T, p.Pro167= (NM_001168388.3); c.516C>T, p.Pro172= (NM_001168389.3).
Identifiers: ClinVar variation 3025178 (VCV003025178.22), dbSNP rs765262697, ClinGen allele CA4025606.

ClinVar aggregate classification (germline): Likely benign (1 of 4 stars; one submission).

Allele frequency attached by ClinVar (database versions not stated): gnomAD 0.00001; TOPMed 0.00001; ExAC 0.00002.
gnomAD v4.1: 12 of 1,534,256 alleles (0.00078%); highest among the groups gnomAD compares: East Asian, 0.015%; no homozygotes.

Submission:

CeGaT Center for Human Genetics Tuebingen
Classification: Likely benign. Last evaluated: 2024-02-01. Review status: criteria provided, single submitter. Criteria: CeGaT Center For Human Genetics Tuebingen Variant Classification Criteria Version 2. Collection method: clinical testing. Allele origin: germline. Affected: yes. Observed: 1 variant allele.
Comment: CITED2: BP4, BP7